The following is an entry in ClinVar:

NM_004260.4(RECQL4):c.1021A>G (p.Ile341Val)

Gene: RECQL4 (RecQ like helicase 4; minus strand). Cytogenetic location: 8q24.3.
Variant type: single nucleotide variant.
Coding change: c.1021A>G on transcript NM_004260.4 (MANE Select); coding-DNA position 1021, A replaced by G.
Protein change: p.Ile341Val; replaces isoleucine 341 with valine.
Molecular consequence: missense variant.
Genome position (GRCh38, 1-based): chr8:144,516,098, T>C on the plus strand (A>G on the coding strand, the complement: RECQL4 is on the minus strand). VCF-style: chr8-144516098-T-C. GRCh37 (hg19) VCF-style: chr8-145741482-T-C.
Other names: short protein forms I341V.
Identifiers: ClinVar variation 565974 (VCV000565974.6), dbSNP rs1022453211, ClinGen allele CA187688488.

ClinVar aggregate classification (germline): Uncertain significance. Review status: criteria provided, multiple submitters, no conflicts (2 of 4 stars). 2 submissions from 2 submitters: Uncertain significance (2). Last evaluated 2025-05-20.

Conditions:
Inborn genetic diseases. Identifiers: MedGen C0950123, MeSH D030342.
Baller-Gerold syndrome (BGS). Also called: CRANIOSYNOSTOSIS WITH RADIAL DEFECTS. Identifiers: Orphanet 1225, MedGen C0265308, MONDO:0009039, OMIM 218600.

Allele frequency attached by ClinVar (database versions not stated): gnomAD 0.00001; gnomAD exomes 0.00001; TOPMed 0.00001.
gnomAD v4.1: 17 of 1,612,684 alleles (0.0011%); highest among the groups gnomAD compares: Admixed American, 0.005%; no homozygotes.

Submissions (2):

Ambry Genetics
Classification: Uncertain significance for Inborn genetic diseases. Last evaluated: 2025-05-20. Review status: criteria provided, single submitter. Criteria: Ambry Variant Classification Scheme 2023. Collection method: clinical testing. Allele origin: germline.
Comment: The p.I341V variant (also known as c.1021A>G), located in coding exon 5 of the RECQL4 gene, results from an A to G substitution at nucleotide position 1021. The isoleucine at codon 341 is replaced by valine, an amino acid with highly similar properties. This amino acid position is conserved. In addition, this alteration is predicted to be tolerated by in silico analysis. Based on the available evidence, the clinical significance of this variant remains unclear.

Labcorp Genetics (formerly Invitae), Labcorp
Classification: Uncertain significance for Baller-Gerold syndrome. Last evaluated: 2024-01-18. Review status: criteria provided, single submitter. Criteria: Invitae Variant Classification Sherloc (09022015). Collection method: clinical testing. Allele origin: germline.
Comment: This sequence change replaces isoleucine, which is neutral and non-polar, with valine, which is neutral and non-polar, at codon 341 of the RECQL4 protein (p.Ile341Val). This variant is present in population databases (no rsID available, gnomAD 0.003%). This variant has not been reported in the literature in individuals affected with RECQL4-related conditions. ClinVar contains an entry for this variant (Variation ID: 565974). Advanced modeling of protein sequence and biophysical properties (such as structural, functional, and spatial information, amino acid conservation, physicochemical variation, residue mobility, and thermodynamic stability) performed at Invitae indicates that this missense variant is not expected to disrupt RECQL4 protein function with a negative predictive value of 80%. In summary, the available evidence is currently insufficient to determine the role of this variant in disease. Therefore, it has been classified as a Variant of Uncertain Significance.